The following is an entry in ClinVar:

NM_152383.5(DIS3L2):c.2518G>A (p.Val840Met)

Gene: DIS3L2 (DIS3 like 3'-5' exoribonuclease 2; plus strand). Cytogenetic location: 2q37.1.
Variant type: single nucleotide variant.
Coding change: c.2518G>A on transcript NM_152383.5 (MANE Select); coding-DNA position 2518, G replaced by A.
Protein change: p.Val840Met; replaces valine 840 with methionine.
Molecular consequence: missense variant. On other transcripts: non-coding transcript variant (2), intron variant (1).
Genome position (GRCh38, 1-based): chr2:232,336,490, G>A. VCF-style: chr2-232336490-G-A. GRCh37 (hg19) VCF-style: chr2-233201200-G-A.
Other names: c.1582-6855G>A (NM_001257281.2); short protein forms V840M.
Identifiers: ClinVar variation 650114 (VCV000650114.8), dbSNP rs776460855, ClinGen allele CA2164607.
Genomic context (GRCh38, chr2:232,336,490, plus strand): 5'-CCTGCCATCCTTGTCCCCTCACGGCTGGGCTCTGCACAGGTCATCACCATCTTCAGCCTG[G>A]TGGAGGTGGTCCTGCAGGCAGAGTCCACAGCCCTCAAGTACAGCGCCATCCTGAAGCGGC-3'
Protein context (NP_689596.4, residues 830-850): AQQVITIFSL[Val840Met]EVVLQAESTA

ClinVar aggregate classification (germline): Uncertain significance (1 of 4 stars; one submission).

Conditions:
Perlman syndrome (PRLMNS). Identifiers: Orphanet 2849, MedGen C0796113, MONDO:0009965, OMIM 267000.

Allele frequency attached by ClinVar (database versions not stated): gnomAD exomes below 0.00001; TOPMed below 0.00001; ExAC 0.00001.
gnomAD v4.1: 2 of 1,611,462 alleles (0.00012%); highest among the groups gnomAD compares: Non-Finnish European, 0.00017%; no homozygotes.

Submission:

Labcorp Genetics (formerly Invitae), Labcorp
Classification: Uncertain significance for Perlman syndrome. Last evaluated: 2023-06-14. Review status: criteria provided, single submitter. Criteria: Invitae Variant Classification Sherloc (09022015). Collection method: clinical testing. Allele origin: germline.
Comment: This sequence change replaces valine, which is neutral and non-polar, with methionine, which is neutral and non-polar, at codon 840 of the DIS3L2 protein (p.Val840Met). This variant is present in population databases (rs776460855, gnomAD 0.0009%). This variant has not been reported in the literature in individuals affected with DIS3L2-related conditions. ClinVar contains an entry for this variant (Variation ID: 650114). Advanced modeling of protein sequence and biophysical properties (such as structural, functional, and spatial information, amino acid conservation, physicochemical variation, residue mobility, and thermodynamic stability) performed at Invitae indicates that this missense variant is not expected to disrupt DIS3L2 protein function. In summary, the available evidence is currently insufficient to determine the role of this variant in disease. Therefore, it has been classified as a Variant of Uncertain Significance.